The following is an entry in ClinVar:

ClinVar aggregate classification (germline): Likely benign (1 of 4 stars; one submission).

gnomAD v4.1: 41 of 1,614,042 alleles (0.0025%); highest among the groups gnomAD compares: South Asian, 0.0033%; no homozygotes.

Submission:

CeGaT Center for Human Genetics Tuebingen
Classification: Likely benign. Last evaluated: 2024-10-01. Review status: criteria provided, single submitter. Criteria: CeGaT Center For Human Genetics Tuebingen Variant Classification Criteria Version 2. Collection method: clinical testing. Allele origin: germline. Affected: yes. Observed: 1 variant allele.
Comment: TCP11L2: BP4, BP7

NM_152772.3(TCP11L2):c.861C>T (p.Ala287=)

Gene: TCP11L2 (t-complex 11 like 2; plus strand). Cytogenetic location: 12q23.3.
Variant type: single nucleotide variant.
Coding change: c.861C>T on transcript NM_152772.3 (MANE Select); coding-DNA position 861, C replaced by T.
Protein change: p.Ala287=; no amino-acid change (alanine 287 retained).
Molecular consequence: synonymous variant.
Genome position (GRCh38, 1-based): chr12:106,335,727, C>T. VCF-style: chr12-106335727-C-T. GRCh37 (hg19) VCF-style: chr12-106729505-C-T.
Identifiers: ClinVar variation 3389050 (VCV003389050.14).